The following is an entry in ClinVar:

ClinVar aggregate classification (germline): Benign/Likely benign. Review status: criteria provided, multiple submitters, no conflicts (2 of 4 stars). 7 submissions from 7 submitters: Benign (1); Likely benign (6). Last evaluated 2026-01-06.

Conditions:
Classic or attenuated familial adenomatous polyposis. Identifiers: MedGen CN372698, MONDO:0021057.
Hereditary cancer-predisposing syndrome. Also called: Neoplastic Syndromes, Hereditary; Tumor predisposition; Hereditary Cancer Syndrome; Hereditary neoplastic syndrome. Identifiers: Orphanet 140162, MedGen C0027672, MeSH D009386, MONDO:0015356.
Familial adenomatous polyposis 1 (FAP1). Also called: FAMILIAL ADENOMATOUS POLYPOSIS 1, ATTENUATED; POLYPOSIS, ADENOMATOUS INTESTINAL. Identifiers: MedGen C2713442, MONDO:0021056, OMIM 175100. Disease mechanism: loss of function.

Allele frequency attached by ClinVar (database versions not stated): TOPMed below 0.00001; gnomAD exomes 0.00001; ESP Exome Variant Server 0.00008.
gnomAD v4.1: 19 of 1,613,474 alleles (0.0012%); highest among the groups gnomAD compares: Non-Finnish European, 0.0016%; no homozygotes.

Submissions (7):

Labcorp Genetics (formerly Invitae), Labcorp
Classification: Likely benign for Familial adenomatous polyposis 1. Last evaluated: 2026-01-06. Review status: criteria provided, single submitter. Criteria: Invitae Variant Classification Sherloc (09022015). Collection method: clinical testing. Allele origin: germline.

Myriad Genetics, Inc.
Classification: Benign for Familial adenomatous polyposis 1. Last evaluated: 2024-04-04. Review status: criteria provided, single submitter. Criteria: Myriad Autosomal Dominant, Autosomal Recessive and X-Linked Classification Criteria (2023). Collection method: clinical testing. Allele origin: unknown.
Comment: This variant is considered benign. This variant is a silent/synonymous amino acid change and it is not expected to impact splicing.

All of Us Research Program, National Institutes of Health
Classification: Likely benign for Classic or attenuated familial adenomatous polyposis. Last evaluated: 2023-10-30. Review status: criteria provided, single submitter. Criteria: ACMG Guidelines, 2015. Collection method: clinical testing. Allele origin: germline. Inheritance: Autosomal dominant inheritance. Observed: 3 variant alleles, 3 heterozygotes.
Comment: This study involves interpretation of variants in research participants for the purpose of population health screening. Participant phenotype was not available at the time of variant classification. Additional details can be found in publication PMID: 35346344, PMCID: PMC8962531

Women's Health and Genetics/Laboratory Corporation of America, LabCorp
Classification: Likely benign. Last evaluated: 2022-05-13. Review status: criteria provided, single submitter. Criteria: LabCorp Variant Classification Summary - May 2015. Collection method: clinical testing. Allele origin: germline.

Color Diagnostics, LLC DBA Color Health
Classification: Likely benign for Hereditary cancer-predisposing syndrome. Last evaluated: 2021-03-15. Review status: criteria provided, single submitter. Criteria: ACMG Guidelines, 2015. Collection method: clinical testing. Allele origin: germline.

GeneDx
Classification: Likely benign. Last evaluated: 2018-09-06. Review status: criteria provided, single submitter. Criteria: GeneDx Variant Classification Process June 2021. Collection method: clinical testing. Allele origin: germline. Affected: yes.

Ambry Genetics
Classification: Likely benign for Hereditary cancer-predisposing syndrome. Last evaluated: 2016-03-01. Review status: criteria provided, single submitter. Criteria: Ambry Variant Classification Scheme 2023. Collection method: clinical testing. Allele origin: germline.

NM_000038.6(APC):c.6366A>T (p.Ala2122=)

Gene: APC (APC regulator of Wnt signaling pathway; plus strand). Cytogenetic location: 5q22.2.
Variant type: single nucleotide variant.
Coding change: c.6366A>T on transcript NM_000038.6 (MANE Select); coding-DNA position 6366, A replaced by T.
Protein change: p.Ala2122=; no amino-acid change (alanine 2122 retained).
Molecular consequence: synonymous variant.
Genome position (GRCh38, 1-based): chr5:112,841,960, A>T. VCF-style: chr5-112841960-A-T. GRCh37 (hg19) VCF-style: chr5-112177657-A-T.
Other names: c.6366A>T, p.Ala2122= (NM_001127510.3, NM_001354895.2); c.6312A>T, p.Ala2104= (NM_001127511.3); c.6420A>T, p.Ala2140= (NM_001354896.2); c.6396A>T, p.Ala2132= (NM_001354897.2); c.6291A>T, p.Ala2097= (NM_001354898.2); c.6282A>T, p.Ala2094= (NM_001354899.2); c.6243A>T, p.Ala2081= (NM_001354900.2); c.6189A>T, p.Ala2063= (NM_001354901.2); and 5 more.
Identifiers: ClinVar variation 482258 (VCV000482258.21), dbSNP rs370948574, ClinGen allele CA125167802.
Genomic context (GRCh38, chr5:112,841,960, plus strand): 5'-AGCTATTCAGGAAGGTGCAAATTCCATAGTAAGTAGTTTACATCAAGCTGCTGCTGCTGC[A>T]TGTTTATCTAGACAAGCTTCGTCTGATTCAGATTCCATCCTTTCCCTGAAATCAGGAATC-3'
Protein context (NP_000029.2, residues 2112-2132): VSSLHQAAAA[Ala2122=]CLSRQASSDS